The following is an entry in ClinVar:

NM_015001.3(SPEN):c.4905T>C (p.Pro1635=)

Gene: SPEN (spen family transcriptional repressor; plus strand). Cytogenetic location: 1p36.13.
Variant type: single nucleotide variant.
Coding change: c.4905T>C on transcript NM_015001.3 (MANE Select); coding-DNA position 4905, T replaced by C.
Protein change: p.Pro1635=; no amino-acid change (proline 1635 retained).
Molecular consequence: synonymous variant.
Genome position (GRCh38, 1-based): chr1:15,931,145, T>C. VCF-style: chr1-15931145-T-C. GRCh37 (hg19) VCF-style: chr1-16257640-T-C.
Identifiers: ClinVar variation 2638317 (VCV002638317.24), dbSNP rs2523081288, ClinGen allele CA416380420.

ClinVar aggregate classification (germline): Likely benign (1 of 4 stars; one submission).

Submission:

CeGaT Center for Human Genetics Tuebingen
Classification: Likely benign. Last evaluated: 2022-12-01. Review status: criteria provided, single submitter. Criteria: CeGaT Center For Human Genetics Tuebingen Variant Classification Criteria Version 2. Collection method: clinical testing. Allele origin: germline. Affected: yes. Observed: 1 variant allele.
Comment: SPEN: PM2:Supporting, BP4, BP7